The following is an entry in ClinVar:

NM_015506.3(MMACHC):c.562G>A (p.Asp188Asn)

Gene: MMACHC (metabolism of cobalamin associated C; plus strand). Cytogenetic location: 1p34.1.
Variant type: single nucleotide variant.
Coding change: c.562G>A on transcript NM_015506.3 (MANE Select); coding-DNA position 562, G replaced by A.
Protein change: p.Asp188Asn; replaces aspartic acid 188 with asparagine.
Molecular consequence: missense variant.
Genome position (GRCh38, 1-based): chr1:45,508,928, G>A. VCF-style: chr1-45508928-G-A. GRCh37 (hg19) VCF-style: chr1-45974600-G-A.
Other names: c.391G>A, p.Asp131Asn (NM_001330540.2); short protein forms D131N, D188N.
Identifiers: ClinVar variation 1404604 (VCV001404604.4), dbSNP rs748747319, ClinGen allele CA827790.

ClinVar aggregate classification (germline): Uncertain significance (1 of 4 stars; one submission).

Conditions:
Cobalamin C disease. Also called: Methylmalonic aciduria and homocystinuria, Vitamin B12-responsive; Vitamin B12 metabolic defect with combined deficiency of methylmalonyl-CoA mutase and homocysteine:methyltetrahydrofolate methyltransferase; Cobalamin-C methylmalonic acidemia and homocystinuria; Methylmalonic acidemia and homocystinuria cblC type; Methylmalonic aciduria with homocystinuria cblC type; methylmalonic aciduria and homocystinuria type cblC. Identifiers: Orphanet 26, Orphanet 79282, MedGen C1848561, MONDO:0010184, OMIM 277400.

Allele frequency attached by ClinVar (database versions not stated): gnomAD exomes below 0.00001; TOPMed below 0.00001; ExAC 0.00001.

Submission:

Labcorp Genetics (formerly Invitae), Labcorp
Classification: Uncertain significance for Cobalamin C disease. Last evaluated: 2023-12-12. Review status: criteria provided, single submitter. Criteria: Invitae Variant Classification Sherloc (09022015). Collection method: clinical testing. Allele origin: germline.
Comment: This sequence change replaces aspartic acid, which is acidic and polar, with asparagine, which is neutral and polar, at codon 188 of the MMACHC protein (p.Asp188Asn). This variant is present in population databases (rs748747319, gnomAD 0.008%). This variant has not been reported in the literature in individuals affected with MMACHC-related conditions. ClinVar contains an entry for this variant (Variation ID: 1404604). Advanced modeling of protein sequence and biophysical properties (such as structural, functional, and spatial information, amino acid conservation, physicochemical variation, residue mobility, and thermodynamic stability) has been performed at Invitae for this missense variant, however the output from this modeling did not meet the statistical confidence thresholds required to predict the impact of this variant on MMACHC protein function. In summary, the available evidence is currently insufficient to determine the role of this variant in disease. Therefore, it has been classified as a Variant of Uncertain Significance.